The following is an entry in ClinVar:

NM_012388.4(BLOC1S6):c.286C>T (p.His96Tyr)

Gene: BLOC1S6 (biogenesis of lysosomal organelles complex 1 subunit 6; plus strand). Cytogenetic location: 15q21.1.
Variant type: single nucleotide variant.
Coding change: c.286C>T on transcript NM_012388.4 (MANE Select); coding-DNA position 286, C replaced by T.
Protein change: p.His96Tyr; replaces histidine 96 with tyrosine.
Molecular consequence: missense variant. On other transcripts: non-coding transcript variant (6), intron variant (1).
Genome position (GRCh38, 1-based): chr15:45,603,161, C>T. VCF-style: chr15-45603161-C-T. GRCh37 (hg19) VCF-style: chr15-45895359-C-T.
Other names: c.301C>T, p.His101Tyr (NM_001311255.1); c.240-2267C>T (NM_001311256.1); short protein forms H101Y, H96Y.
Identifiers: ClinVar variation 659712 (VCV000659712.10), dbSNP rs1595559213, ClinGen allele CA392300450.

ClinVar aggregate classification (germline): Uncertain significance (1 of 4 stars; one submission).

Conditions:
Hermansky-Pudlak syndrome 9 (HPS9). Identifiers: Orphanet 280663, Orphanet 79430, MedGen C3280026, MONDO:0013606, OMIM 614171.

Submission:

Labcorp Genetics (formerly Invitae), Labcorp
Classification: Uncertain significance for Hermansky-Pudlak syndrome 9. Last evaluated: 2024-02-24. Review status: criteria provided, single submitter. Criteria: Invitae Variant Classification Sherloc (09022015). Collection method: clinical testing. Allele origin: germline.
Comment: This sequence change replaces histidine, which is basic and polar, with tyrosine, which is neutral and polar, at codon 96 of the BLOC1S6 protein (p.His96Tyr). This variant is not present in population databases (gnomAD no frequency). This variant has not been reported in the literature in individuals affected with BLOC1S6-related conditions. ClinVar contains an entry for this variant (Variation ID: 659712). An algorithm developed to predict the effect of missense changes on protein structure and function (PolyPhen-2) suggests that this variant is likely to be disruptive. In summary, the available evidence is currently insufficient to determine the role of this variant in disease. Therefore, it has been classified as a Variant of Uncertain Significance.